The following is an entry in ClinVar:

ClinVar aggregate classification (germline): Uncertain significance (1 of 4 stars; one submission).

Submission:

Labcorp Genetics (formerly Invitae), Labcorp
Classification: Uncertain significance. Last evaluated: 2024-02-23. Review status: criteria provided, single submitter. Criteria: Invitae Variant Classification Sherloc (09022015). Collection method: clinical testing. Allele origin: germline.
Comment: This sequence change replaces glutamic acid, which is acidic and polar, with glutamine, which is neutral and polar, at codon 671 of the DSG1 protein (p.Glu671Gln). This variant is not present in population databases (gnomAD no frequency). This variant has not been reported in the literature in individuals affected with DSG1-related conditions. Advanced modeling of protein sequence and biophysical properties (such as structural, functional, and spatial information, amino acid conservation, physicochemical variation, residue mobility, and thermodynamic stability) performed at Invitae indicates that this missense variant is not expected to disrupt DSG1 protein function with a negative predictive value of 80%. In summary, the available evidence is currently insufficient to determine the role of this variant in disease. Therefore, it has been classified as a Variant of Uncertain Significance.

NM_001942.4(DSG1):c.2011G>C (p.Glu671Gln)

Genes: DSG1 (desmoglein 1; plus strand), DSG1-AS1 (DSG1 antisense RNA 1; minus strand). Cytogenetic location: 18q12.1.
Variant type: single nucleotide variant.
Coding change: c.2011G>C on transcript NM_001942.4 (MANE Select); coding-DNA position 2011, G replaced by C.
Protein change: p.Glu671Gln; replaces glutamic acid 671 with glutamine.
Molecular consequence: missense variant.
Genome position (GRCh38, 1-based): chr18:31,346,109, G>C. VCF-style: chr18-31346109-G-C. GRCh37 (hg19) VCF-style: chr18-28926072-G-C.
Other names: short protein forms E671Q.
Identifiers: ClinVar variation 3642829 (VCV003642829.2).
Genomic context (GRCh38, chr18:31,346,109, plus strand): 5'-ATGACAGGATTTGAACTAACAGAGGGAGTTAAAACTTCAGGAATGCCTGAGATATGTCAA[G>C]AATACTCTGGAACATTAAGAAGAAATTCTATGAGGGAATGTAGAGAAGGAGGTCTGAATA-3'
Protein context (NP_001933.2, residues 661-681): KTSGMPEICQ[Glu671Gln]YSGTLRRNSM